The following is an entry in ClinVar:

NM_013275.6(ANKRD11):c.3355T>G (p.Phe1119Val)

Gene: ANKRD11 (ankyrin repeat domain 11; minus strand). Cytogenetic location: 16q24.3.
Variant type: single nucleotide variant.
Coding change: c.3355T>G on transcript NM_013275.6 (MANE Select); coding-DNA position 3355, T replaced by G.
Protein change: p.Phe1119Val; replaces phenylalanine 1119 with valine.
Molecular consequence: missense variant.
Genome position (GRCh38, 1-based): chr16:89,283,187, A>C on the plus strand (T>G on the coding strand, the complement: ANKRD11 is on the minus strand). VCF-style: chr16-89283187-A-C. GRCh37 (hg19) VCF-style: chr16-89349595-A-C.
Other names: c.3355T>G, p.Phe1119Val (NM_001256182.2, NM_001256183.2); short protein forms F1119V.
Identifiers: ClinVar variation 5009108 (VCV005009108.1).
Genomic context (GRCh38, chr16:89,283,187, plus strand): 5'-CTCCCATCTTGAACCCGCTCCCCATGCAGCTGTCTCTGTCGTCCTCACTCTCATCTGTGA[A>C]GATGTCTGCGATGTACCAGCTTTTCTCTTTGCCTTTCTTGTCATCTTTTTTTTCAGAGAA-3'
Protein context (NP_037407.4, residues 1109-1129): KEKSWYIADI[Phe1119Val]TDESEDDRDS

ClinVar aggregate classification (germline): Uncertain significance (1 of 4 stars; one submission).

Submission:

GeneDx
Classification: Uncertain significance. Last evaluated: 2026-03-14. Review status: criteria provided, single submitter. Criteria: GeneDx Variant Classification Process June 2021. Collection method: clinical testing. Allele origin: germline.
Comment: Not observed at significant frequency in large population cohorts (gnomAD); In silico analysis suggests that this missense variant does not alter protein structure/function; Has not been previously published as pathogenic or benign to our knowledge